The following is an entry in ClinVar:

ClinVar aggregate classification (germline): Benign. Review status: criteria provided, multiple submitters, no conflicts (2 of 4 stars). 3 submissions from 3 submitters: Benign (3). Last evaluated 2024-07-15.

Allele frequency attached by ClinVar (database versions not stated): 1000 Genomes Project 30x 0.15006; 1000 Genomes Project 0.15016; gnomAD 0.17078 and 0.17272; TOPMed 0.17107.
gnomAD v4.1: 281,917 of 1,528,644 alleles (18%); highest among the groups gnomAD compares: Middle Eastern, 24%; 27,085 homozygotes.

Submissions (3):

Unidad de Genómica Garrahan, Hospital de Pediatría Garrahan
Classification: Benign. Last evaluated: 2024-07-15. Review status: criteria provided, single submitter. Criteria: ACMG Guidelines, 2015. Collection method: clinical testing. Allele origin: germline. Affected: no. Observed: 27 variant alleles.
Comment: This variant is classified as Benign based on local population frequency. This variant was detected in 29% of patients studied in a panel designed for Epileptic and Developmental Encephalopathy and Progressive Myoclonus Epilepsy. Number of patients: 27. Only high quality variants are reported.

GeneDx
Classification: Benign. Last evaluated: 2018-06-14. Review status: criteria provided, single submitter. Criteria: GeneDx Variant Classification (06012015). Collection method: clinical testing. Allele origin: germline. Affected: yes.
Comment: This variant is considered likely benign or benign based on one or more of the following criteria: it is a conservative change, it occurs at a poorly conserved position in the protein, it is predicted to be benign by multiple in silico algorithms, and/or has population frequency not consistent with disease.

Breakthrough Genomics
Classification: Benign. Review status: criteria provided, single submitter. Criteria: ACMG Guidelines, 2015. Collection method: not provided. Allele origin: germline. Inheritance: Autosomal dominant inheritance. Affected: yes.

NM_020822.3(KCNT1):c.1769+67T>G

Gene: KCNT1 (potassium sodium-activated channel subfamily T member 1; plus strand). Cytogenetic location: 9q34.3.
Variant type: single nucleotide variant.
Coding change: c.1769+67T>G on transcript NM_020822.3 (MANE Select); 67 bases into the intron after coding-DNA position 1769, T replaced by G.
Molecular consequence: intron variant.
Genome position (GRCh38, 1-based): chr9:135,770,514, T>G. VCF-style: chr9-135770514-T-G. GRCh37 (hg19) VCF-style: chr9-138662360-T-G.
Other names: c.1634+67T>G (NM_001272003.2).
Identifiers: ClinVar variation 682421 (VCV000682421.4), dbSNP rs56157148, ClinGen allele CA16376457.